The following is an entry in ClinVar:

NM_001852.4(COL9A2):c.194A>G (p.Lys65Arg)

Gene: COL9A2 (collagen type IX alpha 2 chain; minus strand). Cytogenetic location: 1p34.2.
Variant type: single nucleotide variant.
Coding change: c.194A>G on transcript NM_001852.4 (MANE Select); coding-DNA position 194, A replaced by G.
Protein change: p.Lys65Arg; replaces lysine 65 with arginine.
Molecular consequence: missense variant.
Genome position (GRCh38, 1-based): chr1:40,314,260, T>C on the plus strand (A>G on the coding strand, the complement: COL9A2 is on the minus strand). VCF-style: chr1-40314260-T-C. GRCh37 (hg19) VCF-style: chr1-40779932-T-C.
Other names: short protein forms K65R.
Identifiers: ClinVar variation 1520451 (VCV001520451.6), dbSNP rs756634659, ClinGen allele CA21042286.

ClinVar aggregate classification (germline): Uncertain significance (1 of 4 stars; one submission).

Allele frequency attached by ClinVar (database versions not stated): gnomAD exomes 0.00001 and 0.00002.
gnomAD v4.1: 22 of 1,614,180 alleles (0.0014%); highest among the groups gnomAD compares: Non-Finnish European, 0.0019%; no homozygotes.

Submission:

Labcorp Genetics (formerly Invitae), Labcorp
Classification: Uncertain significance. Last evaluated: 2022-03-18. Review status: criteria provided, single submitter. Criteria: Invitae Variant Classification Sherloc (09022015). Collection method: clinical testing. Allele origin: germline.
Comment: This variant is present in population databases (rs756634659, gnomAD 0.002%). In summary, the available evidence is currently insufficient to determine the role of this variant in disease. Therefore, it has been classified as a Variant of Uncertain Significance. Algorithms developed to predict the effect of sequence changes on RNA splicing suggest that this variant may disrupt the consensus splice site. Advanced modeling of protein sequence and biophysical properties (such as structural, functional, and spatial information, amino acid conservation, physicochemical variation, residue mobility, and thermodynamic stability) performed at Invitae indicates that this missense variant is not expected to disrupt COL9A2 protein function. This variant has not been reported in the literature in individuals affected with COL9A2-related conditions. This sequence change replaces lysine, which is basic and polar, with arginine, which is basic and polar, at codon 65 of the COL9A2 protein (p.Lys65Arg).